The following is an entry in ClinVar:

NM_000093.5(COL5A1):c.4371G>A (p.Pro1457=)

Gene: COL5A1 (collagen type V alpha 1 chain; plus strand). Cytogenetic location: 9q34.3.
Variant type: single nucleotide variant.
Coding change: c.4371G>A on transcript NM_000093.5 (MANE Select); coding-DNA position 4371, G replaced by A.
Protein change: p.Pro1457=; no amino-acid change (proline 1457 retained).
Molecular consequence: synonymous variant.
Genome position (GRCh38, 1-based): chr9:134,818,880, G>A. VCF-style: chr9-134818880-G-A. GRCh37 (hg19) VCF-style: chr9-137710726-G-A.
Other names: c.4371G>A, p.Pro1457= (NM_001278074.1).
Identifiers: ClinVar variation 365729 (VCV000365729.17), dbSNP rs756096066, ClinGen allele CA5320258.

ClinVar aggregate classification (germline): Likely benign. Review status: criteria provided, multiple submitters, no conflicts (2 of 4 stars). 4 submissions from 4 submitters: Likely benign (4). Last evaluated 2026-02-09.

Conditions:
Ehlers-Danlos syndrome, classic type, 1 (EDSCL1). Also called: EHLERS-DANLOS SYNDROME, GRAVIS TYPE; EHLERS-DANLOS SYNDROME, SEVERE CLASSIC TYPE; Ehlers-Danlos Syndrome, Classic Type, COL5A1-Related; EDS I; Ehlers-Danlos syndrome, type 1. Identifiers: MedGen C0268335, MONDO:0019567, OMIM 130000.
Ehlers-Danlos syndrome, classic type (cEDS). Identifiers: Orphanet 287, MedGen C4225429, MONDO:0007522.
Familial thoracic aortic aneurysm and aortic dissection (TAAD). Also called: Thoracic aortic aneurysms and dissections. Identifiers: Orphanet 91387, MedGen C4707243, MONDO:0019625.

Allele frequency attached by ClinVar (database versions not stated): gnomAD exomes 0.00001 and 0.00003; ExAC 0.00005; TOPMed 0.00001; gnomAD 0.00001.
gnomAD v4.1: 18 of 1,612,918 alleles (0.0011%); highest among the groups gnomAD compares: East Asian, 0.013%; no homozygotes.

Submissions (4):

Women's Health and Genetics/Laboratory Corporation of America, LabCorp
Classification: Likely benign. Last evaluated: 2026-02-09. Review status: criteria provided, single submitter. Criteria: LabCorp Variant Classification Summary - May 2015. Collection method: clinical testing. Allele origin: germline.

Labcorp Genetics (formerly Invitae), Labcorp
Classification: Likely benign for Ehlers-Danlos syndrome, classic type, 1. Last evaluated: 2026-01-11. Review status: criteria provided, single submitter. Criteria: Invitae Variant Classification Sherloc (09022015). Collection method: clinical testing. Allele origin: germline.

Ambry Genetics
Classification: Likely benign for Familial thoracic aortic aneurysm and aortic dissection. Last evaluated: 2022-04-05. Review status: criteria provided, single submitter. Criteria: Ambry Variant Classification Scheme 2023. Collection method: clinical testing. Allele origin: germline.

Illumina Laboratory Services, Illumina
Classification: Likely benign for Ehlers-Danlos syndrome, classic type, 1. Last evaluated: 2018-01-12. Review status: criteria provided, single submitter. Criteria: ICSL Variant Classification Criteria 13 December 2019. Collection method: clinical testing. Allele origin: germline.
Comment: This variant was observed in the ICSL laboratory as part of a predisposition screen in an ostensibly healthy population. It had not been previously curated by ICSL or reported in the Human Gene Mutation Database (HGMD: prior to June 1st, 2018), and was therefore a candidate for classification through an automated scoring system. Utilizing variant allele frequency, disease prevalence and penetrance estimates, and inheritance mode, an automated score was calculated to assess if this variant is too frequent to cause the disease. Based on the score and internal cut-off values, a variant classified as likely benign is not then subjected to further curation. The score for this variant resulted in a classification of likely benign for this disease.